The following is an entry in ClinVar:

ClinVar aggregate classification (germline): Likely benign. Review status: criteria provided, multiple submitters, no conflicts (2 of 4 stars). 2 submissions from 2 submitters: Likely benign (2). Last evaluated 2025-01-23.

Conditions:
VPS13B-related disorder. Also called: VPS13B-related condition.
Cohen syndrome (COH1). Also called: Cutis verticis gyrata, retinitis pigmentosa, and sensorineural deafness; PEPPER SYNDROME. Identifiers: Orphanet 193, MedGen C0265223, MONDO:0008999, OMIM 216550.

Allele frequency attached by ClinVar (database versions not stated): gnomAD 0.00001.
gnomAD v4.1: 2 of 1,613,872 alleles (0.00012%); highest among the groups gnomAD compares: African/African-American, 0.0027%; no homozygotes.

Submissions (2):

PreventionGenetics, part of Exact Sciences
Classification: Likely benign for VPS13B-related condition. Last evaluated: 2025-01-23. Review status: criteria provided, single submitter. Criteria: ACMG Guidelines, 2015. Collection method: clinical testing. Allele origin: germline.
Comment: This variant is classified as likely benign based on ACMG/AMP sequence variant interpretation guidelines (Richards et al. 2015 PMID: 25741868, with internal and published modifications).

Labcorp Genetics (formerly Invitae), Labcorp
Classification: Likely benign for Cohen syndrome. Last evaluated: 2023-04-17. Review status: criteria provided, single submitter. Criteria: Invitae Variant Classification Sherloc (09022015). Collection method: clinical testing. Allele origin: germline.

NM_152564.5(VPS13B):c.2646C>G (p.Ala882=)

Gene: VPS13B (vacuolar protein sorting 13 homolog B; plus strand). Cytogenetic location: 8q22.2.
Variant type: single nucleotide variant.
Coding change: c.2646C>G on transcript NM_152564.5 (MANE Select); coding-DNA position 2646, C replaced by G.
Protein change: p.Ala882=; no amino-acid change (alanine 882 retained).
Molecular consequence: synonymous variant.
Genome position (GRCh38, 1-based): chr8:99,274,328, C>G. VCF-style: chr8-99274328-C-G. GRCh37 (hg19) VCF-style: chr8-100286556-C-G.
Other names: c.2646C>G (NM_152564.4); c.2646C>G, p.Ala882= (NM_017890.5).
Identifiers: ClinVar variation 1115592 (VCV001115592.10), dbSNP rs369124790, ClinGen allele CA4822975.